The following is an entry in ClinVar:

ClinVar aggregate classification (germline): Pathogenic (1 of 4 stars; one submission).

Conditions:
Metachromatic leukodystrophy (MLD). Also called: ARSA DEFICIENCY; CEREBROSIDE SULFATASE DEFICIENCY; METACHROMATIC LEUKOENCEPHALOPATHY; SULFATIDE LIPIDOSIS; Cerebral sclerosis diffuse metachromatic form; Arylsulfatase A Deficiency. Identifiers: Orphanet 512, MedGen C0023522, MONDO:0018868, OMIM 250100.

Submission:

Myriad Genetics, Inc.
Classification: Pathogenic for Metachromatic leukodystrophy. Last evaluated: 2024-05-11. Review status: criteria provided, single submitter. Criteria: Myriad Autosomal Dominant, Autosomal Recessive and X-Linked Classification Criteria (2023). Collection method: clinical testing. Allele origin: unknown.
Comment: NM_000487.5(ARSA):c.941_942delAG(E314Afs*45) is expected to be pathogenic in the context of metachromatic leukodystrophy. This variant is predicted to lead to an abnormal or absent protein product due to the creation of a premature termination codon in ARSA, a gene where loss-of-function variants are known to be pathogenic. Please note: this variant was assessed in the context of healthy population screening.

NM_000487.6(ARSA):c.941_942del (p.Glu314fs)

Gene: ARSA (arylsulfatase A; minus strand). Cytogenetic location: 22q13.33.
Variant type: Microsatellite.
Coding change: c.941_942del on transcript NM_000487.6 (MANE Select); coding-DNA positions 941 to 942, 2 bases deleted (AG; older notation c.941_942delAG).
Protein change: p.Glu314fs; shifts the reading frame from glutamic acid 314.
Molecular consequence: frameshift variant.
Genome position (GRCh38, 1-based): chr22:50,626,191-50,626,192, CT deleted on the plus strand (AG on the coding strand, the reverse complement: ARSA is on the minus strand); deleting any 2 consecutive bases within chr22:50,626,191-50,626,195 gives the same sequence; the c. name uses the placement nearest the transcript's 3' end. VCF-style (leftmost placement, unchanged base first): chr22-50626190-GCT-G. GRCh37 (hg19) VCF-style: chr22-51064618-GCT-G.
Other names: c.941_942del, p.Glu314fs (NM_001085425.3, NM_001085426.3, NM_001085427.3); c.683_684del, p.Glu228fs (NM_001085428.3, NM_001362782.2); short protein forms E228fs, E314fs.
Identifiers: ClinVar variation 5013033 (VCV005013033.1).